The following is an entry in ClinVar:

NM_001366385.1(CARD14):c.2496C>T (p.Leu832=)

Genes: CARD14 (caspase recruitment domain family member 14; plus strand), SGSH (N-sulfoglucosamine sulfohydrolase; minus strand), LOC126862662 (MED14-independent group 3 enhancer GRCh37_chr17:78178385-78179584; plus strand). Cytogenetic location: 17q25.3.
Variant type: single nucleotide variant.
Coding change: c.2496C>T on transcript NM_001366385.1 (MANE Select); coding-DNA position 2496, C replaced by T.
Protein change: p.Leu832=; no amino-acid change (leucine 832 retained).
Molecular consequence: synonymous variant. On other transcripts: non-coding transcript variant (1).
Genome position (GRCh38, 1-based): chr17:80,205,132, C>T. VCF-style: chr17-80205132-C-T. GRCh37 (hg19) VCF-style: chr17-78178931-C-T.
Other names: p.Leu832=; c.2496C>T, p.Leu832= (NM_024110.4).
Identifiers: ClinVar variation 527887 (VCV000527887.50), dbSNP rs139789664, ClinGen allele CA8817345.
Genomic context (GRCh38, chr17:80,205,132, plus strand): 5'-CCTGGTGCCCTATACCCTGGTGCGGCCCCATCGACCCGCCCGGCCCCGGCCTGTGCTCCT[C>T]GTGCCCAGGGCGGTTGGGAAGATCCTGAGCGAGAAACTGTGCCTCCTCCAAGGGTTTAAG-3'
Protein context (NP_001353314.1, residues 822-842): HRPARPRPVL[Leu832=]VPRAVGKILS

ClinVar aggregate classification (germline): Benign/Likely benign. Review status: criteria provided, multiple submitters, no conflicts (2 of 4 stars). 8 submissions from 8 submitters: Benign (5); Likely benign (1). 2 of the submissions do not count toward it. Last evaluated 2026-06-01.

Conditions:
Autoinflammatory syndrome. Identifiers: Orphanet 93665, MedGen C3890737, MONDO:0019751.
Pityriasis rubra pilaris (PRP). Also called: Pityriasis rubra pilaris--familial type. Identifiers: Orphanet 2897, MedGen C0032027, MONDO:0100017, OMIM 173200, MONDO:0008251.
Psoriasis 2. Identifiers: MedGen C1864497, MONDO:0011269, OMIM 602723.

Allele frequency attached by ClinVar (database versions not stated): 1000 Genomes Project 30x 0.00312; 1000 Genomes Project 0.00339; gnomAD exomes 0.00376; ExAC 0.00383; gnomAD 0.00482 and 0.00506; TOPMed 0.00486; ESP Exome Variant Server 0.00507.
gnomAD v4.1: 8,327 of 1,613,754 alleles (0.52%); highest among the groups gnomAD compares: Non-Finnish European, 0.6%; 26 homozygotes.

Submissions (8):

CeGaT Center for Human Genetics Tuebingen
Classification: Benign. Last evaluated: 2026-06-01. Review status: criteria provided, single submitter. Criteria: CeGaT Center For Human Genetics Tuebingen Variant Classification Criteria Version 2. Collection method: clinical testing. Allele origin: germline. Affected: yes. Observed: 15 variant alleles.
Comment: CARD14: BP4, BP7, BS1, BS2

Labcorp Genetics (formerly Invitae), Labcorp
Classification: Benign for Pityriasis rubra pilaris; Psoriasis 2. Last evaluated: 2026-02-01. Review status: criteria provided, single submitter. Criteria: Invitae Variant Classification Sherloc (09022015). Collection method: clinical testing. Allele origin: germline.

Women's Health and Genetics/Laboratory Corporation of America, LabCorp
Classification: Benign. Last evaluated: 2025-07-29. Review status: criteria provided, single submitter. Criteria: LabCorp Variant Classification Summary - May 2015. Collection method: clinical testing. Allele origin: germline.

Mayo Clinic Laboratories, Mayo Clinic
Classification: Benign. Last evaluated: 2024-12-10. Review status: criteria provided, single submitter. Criteria: ACMG Guidelines, 2015. Collection method: clinical testing. Allele origin: germline. Observed: 7 variant alleles.
Comment: BS1, BS2, BP4, BP7

Blueprint Genetics
Classification: Likely benign. Last evaluated: 2024-11-26. Review status: criteria provided, single submitter. Criteria: ACMG Guidelines, 2015. Collection method: clinical testing. Allele origin: germline.

Genome Diagnostics Laboratory, The Hospital for Sick Children
Classification: Benign for Autoinflammatory syndrome. Last evaluated: 2022-05-03. Review status: criteria provided, single submitter. Criteria: ACMG Guidelines, 2015. Collection method: clinical testing. Allele origin: germline. Affected: yes.

Clinical Genetics DNA and cytogenetics Diagnostics Lab, Erasmus MC, Erasmus Medical Center
Classification: Likely benign. Review status: no assertion criteria provided. Collection method: clinical testing. Allele origin: germline. Affected: yes. Study: VKGL Data-share Consensus. Not counted in ClinVar's aggregate classification.

Genome Diagnostics Laboratory, University Medical Center Utrecht
Classification: Likely benign. Review status: no assertion criteria provided. Collection method: clinical testing. Allele origin: germline. Affected: yes. Study: VKGL Data-share Consensus. Not counted in ClinVar's aggregate classification.